The following is an entry in ClinVar:

NM_014425.5(INVS):c.2830C>T (p.Gln944Ter)

Gene: INVS (inversin; plus strand). Cytogenetic location: 9q31.1.
Variant type: single nucleotide variant.
Coding change: c.2830C>T on transcript NM_014425.5 (MANE Select); coding-DNA position 2830, C replaced by T.
Protein change: p.Gln944Ter; replaces glutamine 944 with a stop codon.
Molecular consequence: nonsense. On other transcripts: non-coding transcript variant (1).
Genome position (GRCh38, 1-based): chr9:100,296,960, C>T. VCF-style: chr9-100296960-C-T. GRCh37 (hg19) VCF-style: chr9-103059242-C-T.
Other names: c.2542C>T, p.Gln848Ter (NM_001318381.2); c.1852C>T, p.Gln618Ter (NM_001318382.2); short protein forms Q618*, Q944*, Q848*.
Identifiers: ClinVar variation 4747599 (VCV004747599.1).

ClinVar aggregate classification (germline): Pathogenic (1 of 4 stars; one submission).

Conditions:
Nephronophthisis. Also called: Juvenile Nephronophthisis. Identifiers: Orphanet 655, MedGen C0687120, MONDO:0019005, HP:0000090.

gnomAD v4.1: 3 of 1,613,994 alleles (0.00019%); highest among the groups gnomAD compares: Non-Finnish European, 0.00025%; no homozygotes.

Submission:

Labcorp Genetics (formerly Invitae), Labcorp
Classification: Pathogenic for Nephronophthisis. Last evaluated: 2025-03-30. Review status: criteria provided, single submitter. Criteria: Invitae Variant Classification Sherloc (09022015). Collection method: clinical testing. Allele origin: germline.
Comment: This sequence change creates a premature translational stop signal (p.Gln944*) in the INVS gene. It is expected to result in an absent or disrupted protein product. Loss-of-function variants in INVS are known to be pathogenic (PMID: 12872123). This variant is not present in population databases (gnomAD no frequency). This variant has not been reported in the literature in individuals affected with INVS-related conditions. Algorithms developed to predict the effect of sequence changes on RNA splicing suggest that this variant may disrupt the consensus splice site. For these reasons, this variant has been classified as Pathogenic.

Literature cited by the submitters: PubMed 12872123.